The following is an entry in ClinVar:

NM_000264.5(PTCH1):c.2573del (p.Ala858fs)

Gene: PTCH1 (patched 1; minus strand). Cytogenetic location: 9q22.32.
Variant type: Deletion.
Coding change: c.2573del on transcript NM_000264.5 (MANE Select); coding-DNA position 2573, one base deleted (C; older notation c.2573delC).
Protein change: p.Ala858fs; shifts the reading frame from alanine 858.
Molecular consequence: frameshift variant. On other transcripts: non-coding transcript variant (1).
Genome position (GRCh38, 1-based): chr9:95,461,986, G deleted on the plus strand (C on the coding strand, the reverse complement: PTCH1 is on the minus strand). VCF-style (leftmost placement, unchanged base first): chr9-95461985-TG-T. GRCh37 (hg19) VCF-style: chr9-98224267-TG-T.
Other names: c.2375del, p.Ala792fs (NM_001083602.3); c.2570del, p.Ala857fs (NM_001083603.3); c.2120del, p.Ala707fs (NM_001083604.3, NM_001083605.3, NM_001083606.3 and 1 more transcripts); c.2417del, p.Ala806fs (NM_001354918.2); short protein forms A707fs, A792fs, A806fs, A857fs, A858fs.
Identifiers: ClinVar variation 1074461 (VCV001074461.7), dbSNP rs2136689747, ClinGen allele CA2499220038.

ClinVar aggregate classification (germline): Pathogenic (1 of 4 stars; one submission).

Conditions:
Gorlin syndrome. Also called: Basal cell nevus syndrome; Nevoid Basal Cell Carcinoma Syndrome. Identifiers: Orphanet 377, MedGen C0004779, MONDO:0007187.

Submission:

Labcorp Genetics (formerly Invitae), Labcorp
Classification: Pathogenic for Gorlin syndrome. Last evaluated: 2021-10-11. Review status: criteria provided, single submitter. Criteria: Invitae Variant Classification Sherloc (09022015). Collection method: clinical testing. Allele origin: germline.
Comment: For these reasons, this variant has been classified as Pathogenic. ClinVar contains an entry for this variant (Variation ID: 1074461). This premature translational stop signal has been observed in individual(s) with clinical features of nevoid basal cell carcinoma syndrome (PMID: 16301862). This variant is not present in population databases (ExAC no frequency). This sequence change creates a premature translational stop signal (p.Ala858Aspfs*45) in the PTCH1 gene. It is expected to result in an absent or disrupted protein product. Loss-of-function variants in PTCH1 are known to be pathogenic (PMID: 16301862, 16419085).

Literature cited by the submitters: PubMed 16301862; PubMed 16419085.